The following is an entry in ClinVar:

NM_004656.4(BAP1):c.1883C>T (p.Ser628Leu)

Gene: BAP1 (BRCA1 associated deubiquitinase 1; minus strand). Cytogenetic location: 3p21.1.
Variant type: single nucleotide variant.
Coding change: c.1883C>T on transcript NM_004656.4 (MANE Select); coding-DNA position 1883, C replaced by T.
Protein change: p.Ser628Leu; replaces serine 628 with leucine.
Molecular consequence: missense variant.
Genome position (GRCh38, 1-based): chr3:52,403,145, G>A on the plus strand (C>T on the coding strand, the complement: BAP1 is on the minus strand). VCF-style: chr3-52403145-G-A. GRCh37 (hg19) VCF-style: chr3-52437161-G-A.
Other names: short protein forms S628L.
Identifiers: ClinVar variation 1320950 (VCV001320950.4), dbSNP rs2153226434, ClinGen allele CA353097901.

ClinVar aggregate classification (germline): Uncertain significance. Review status: criteria provided, multiple submitters, no conflicts (2 of 4 stars). 2 submissions from 2 submitters: Uncertain significance (2). Last evaluated 2024-03-20.

Conditions:
BAP1-related tumor predisposition syndrome (TPDS1). Also called: Tumor susceptibility linked to germline BAP1 mutations; COMMON Syndrome; TUMOR PREDISPOSITION SYNDROME 1; BAP1 tumor predisposition syndrome. Identifiers: Orphanet 289539, MedGen C3280492, MONDO:0013692, OMIM 614327.

gnomAD v4.1: 2 of 1,613,478 alleles (0.00012%); highest among the groups gnomAD compares: South Asian, 0.0011%; no homozygotes.

Submissions (2):

Labcorp Genetics (formerly Invitae), Labcorp
Classification: Uncertain significance for BAP1-related tumor predisposition syndrome. Last evaluated: 2024-03-20. Review status: criteria provided, single submitter. Criteria: Invitae Variant Classification Sherloc (09022015). Collection method: clinical testing. Allele origin: germline.
Comment: This sequence change replaces serine, which is neutral and polar, with leucine, which is neutral and non-polar, at codon 628 of the BAP1 protein (p.Ser628Leu). This variant is not present in population databases (gnomAD no frequency). This variant has not been reported in the literature in individuals affected with BAP1-related conditions. ClinVar contains an entry for this variant (Variation ID: 1320950). Advanced modeling of protein sequence and biophysical properties (such as structural, functional, and spatial information, amino acid conservation, physicochemical variation, residue mobility, and thermodynamic stability) has been performed at Invitae for this missense variant, however the output from this modeling did not meet the statistical confidence thresholds required to predict the impact of this variant on BAP1 protein function. In summary, the available evidence is currently insufficient to determine the role of this variant in disease. Therefore, it has been classified as a Variant of Uncertain Significance.

GeneDx
Classification: Uncertain significance. Last evaluated: 2019-08-13. Review status: criteria provided, single submitter. Criteria: GeneDx Variant Classification Process June 2021. Collection method: clinical testing. Allele origin: germline. Affected: yes.
Comment: Not observed in large population cohorts (Lek et al., 2016); In silico analysis, which includes protein predictors and evolutionary conservation, supports that this variant does not alter protein structure/function; Has not been previously published as pathogenic or benign to our knowledge